The following is an entry in ClinVar:

NM_000719.7(CACNA1C):c.1367T>G (p.Met456Arg)

Gene: CACNA1C (calcium voltage-gated channel subunit alpha1 C; plus strand). Cytogenetic location: 12p13.33.
Variant type: single nucleotide variant.
Coding change: c.1367T>G on transcript NM_000719.7 (MANE Select); coding-DNA position 1367, T replaced by G.
Protein change: p.Met456Arg; replaces methionine 456 with arginine.
Molecular consequence: missense variant.
Genome position (GRCh38, 1-based): chr12:2,512,961, T>G. VCF-style: chr12-2512961-T-G. GRCh37 (hg19) VCF-style: chr12-2622127-T-G.
Other names: c.1367T>G, p.Met456Arg (NM_001129827.2, NM_001129829.2, NM_001129830.3 and 18 more transcripts); c.1358T>G, p.Met453Arg (NM_001129844.2); short protein forms M456R, M453R.
Identifiers: ClinVar variation 1509231 (VCV001509231.8), dbSNP rs2099788010, ClinGen allele CA383367231.

ClinVar aggregate classification (germline): Uncertain significance (1 of 4 stars; one submission).

Conditions:
Long QT syndrome (LQTS). Identifiers: MedGen C0023976, MeSH D008133, MONDO:0002442. Disease mechanism: loss of function. Inheritance: Various modes of inheritance.

gnomAD v4.1: 1 of 1,607,370 alleles (0.000062%); highest among the groups gnomAD compares: Non-Finnish European, 0.000085%; no homozygotes.

Submission:

Labcorp Genetics (formerly Invitae), Labcorp
Classification: Uncertain significance for Long QT syndrome. Last evaluated: 2025-09-20. Review status: criteria provided, single submitter. Criteria: Invitae Variant Classification Sherloc (09022015). Collection method: clinical testing. Allele origin: germline.
Comment: This sequence change replaces methionine, which is neutral and non-polar, with arginine, which is basic and polar, at codon 456 of the CACNA1C protein (p.Met456Arg). This variant is not present in population databases (gnomAD no frequency). This variant has not been reported in the literature in individuals affected with CACNA1C-related conditions. ClinVar contains an entry for this variant (Variation ID: 1509231). Invitae Evidence Modeling of protein sequence and biophysical properties (such as structural, functional, and spatial information, amino acid conservation, physicochemical variation, residue mobility, and thermodynamic stability) indicates that this missense variant is not expected to disrupt CACNA1C protein function with a negative predictive value of 95%. In summary, the available evidence is currently insufficient to determine the role of this variant in disease. Therefore, it has been classified as a Variant of Uncertain Significance.